The following is an entry in ClinVar:

NM_030665.4(RAI1):c.769C>G (p.Leu257Val)

Gene: RAI1 (retinoic acid induced 1; plus strand). Cytogenetic location: 17p11.2.
Variant type: single nucleotide variant.
Coding change: c.769C>G on transcript NM_030665.4 (MANE Select); coding-DNA position 769, C replaced by G.
Protein change: p.Leu257Val; replaces leucine 257 with valine.
Molecular consequence: missense variant.
Genome position (GRCh38, 1-based): chr17:17,793,717, C>G. VCF-style: chr17-17793717-C-G. GRCh37 (hg19) VCF-style: chr17-17697031-C-G.
Other names: c.769C>G (NM_030665.3); short protein forms L257V.
Identifiers: ClinVar variation 1989279 (VCV001989279.19), dbSNP rs975446880, ClinGen allele CA288367240.

ClinVar aggregate classification (germline): Conflicting classifications of pathogenicity. Review status: criteria provided, conflicting classifications (1 of 4 stars). 3 submissions from 3 submitters: Uncertain significance (1); Likely benign (1). 1 of the submissions does not count toward it. Last evaluated 2026-01-05.

Conditions:
RAI1-related disorder. Also called: RAI1-related condition.

Allele frequency attached by ClinVar (database versions not stated): gnomAD 0.00001; gnomAD exomes 0.00001; TOPMed 0.00001.
gnomAD v4.1: 14 of 1,612,914 alleles (0.00087%); highest among the groups gnomAD compares: Non-Finnish European, 0.0011%; no homozygotes.

Submissions (3):

Labcorp Genetics (formerly Invitae), Labcorp
Classification: Uncertain significance. Last evaluated: 2026-01-05. Review status: criteria provided, single submitter. Criteria: Invitae Variant Classification Sherloc (09022015). Collection method: clinical testing. Allele origin: germline.
Comment: This sequence change replaces leucine, which is neutral and non-polar, with valine, which is neutral and non-polar, at codon 257 of the RAI1 protein (p.Leu257Val). This variant is present in population databases (no rsID available, gnomAD 0.0009%). This variant has not been reported in the literature in individuals affected with RAI1-related conditions. ClinVar contains an entry for this variant (Variation ID: 1989279). Invitae Evidence Modeling of protein sequence and biophysical properties (such as structural, functional, and spatial information, amino acid conservation, physicochemical variation, residue mobility, and thermodynamic stability) indicates that this missense variant is not expected to disrupt RAI1 protein function with a negative predictive value of 80%. In summary, the available evidence is currently insufficient to determine the role of this variant in disease. Therefore, it has been classified as a Variant of Uncertain Significance.

CeGaT Center for Human Genetics Tuebingen
Classification: Likely benign. Last evaluated: 2024-09-01. Review status: criteria provided, single submitter. Criteria: CeGaT Center For Human Genetics Tuebingen Variant Classification Criteria Version 2. Collection method: clinical testing. Allele origin: germline. Affected: yes. Observed: 1 variant allele.
Comment: RAI1: BP4

PreventionGenetics, part of Exact Sciences
Classification: Uncertain significance for RAI1-related condition. Last evaluated: 2024-06-10. Review status: no assertion criteria provided. Collection method: clinical testing. Allele origin: germline. Not counted in ClinVar's aggregate classification.
Comment: The RAI1 c.769C>G variant is predicted to result in the amino acid substitution p.Leu257Val. To our knowledge, this variant has not been reported in the literature. This variant is reported in 0.00091% of alleles in individuals of European (Non-Finnish) descent in gnomAD. At this time, the clinical significance of this variant is uncertain due to the absence of conclusive functional and genetic evidence.